The following is an entry in ClinVar:

NM_000159.4(GCDH):c.1082A>C (p.Lys361Thr)

Gene: GCDH (glutaryl-CoA dehydrogenase; plus strand). Cytogenetic location: 19p13.13.
Variant type: single nucleotide variant.
Coding change: c.1082A>C on transcript NM_000159.4 (MANE Select); coding-DNA position 1082, A replaced by C.
Protein change: p.Lys361Thr; replaces lysine 361 with threonine.
Molecular consequence: missense variant. On other transcripts: non-coding transcript variant (2).
Genome position (GRCh38, 1-based): chr19:12,897,428, A>C. VCF-style: chr19-12897428-A-C. GRCh37 (hg19) VCF-style: chr19-13008242-A-C.
Other names: c.1082A>C, p.Lys361Thr (NM_013976.5); short protein forms K361T.
Identifiers: ClinVar variation 4852414 (VCV004852414.1).

ClinVar aggregate classification (germline): Likely pathogenic (1 of 4 stars; one submission).

Conditions:
Glutaric aciduria, type 1. Also called: Glutaric Acidemia Type 1; GA I; Glutaricacidemia Type 1; Glutaryl-CoA dehydrogenase deficiency; Glutaric acidemia type I; Glutaricaciduria, type I. Identifiers: Orphanet 25, MedGen C0268595, MONDO:0009281, OMIM 231670.

Submission:

Department of Genetics, Sultan Qaboos University Hospital
Classification: Likely pathogenic for Glutaric aciduria, type 1. Last evaluated: 2026-04-01. Review status: criteria provided, single submitter. Criteria: ACMG Guidelines, 2015. Collection method: clinical testing. Allele origin: germline. Affected: yes. Observed: 1 variant allele.
Comment: PP1_Moderate, PS1_Moderate, PM2_Supporting, PP3_Supporting, PP4_Supporting